The following is an entry in ClinVar:

ClinVar aggregate classification (germline): Uncertain significance (1 of 4 stars; one submission).

gnomAD v4.1: 1 of 1,613,430 alleles (0.000062%); highest among the groups gnomAD compares: Non-Finnish European, 0.000085%; no homozygotes.

Submission:

Labcorp Genetics (formerly Invitae), Labcorp
Classification: Uncertain significance. Last evaluated: 2023-10-10. Review status: criteria provided, single submitter. Criteria: Invitae Variant Classification Sherloc (09022015). Collection method: clinical testing. Allele origin: germline.
Comment: This sequence change replaces glycine, which is neutral and non-polar, with aspartic acid, which is acidic and polar, at codon 69 of the COL11A1 protein (p.Gly69Asp). This variant is not present in population databases (gnomAD no frequency). This variant has not been reported in the literature in individuals affected with COL11A1-related conditions. Advanced modeling of protein sequence and biophysical properties (such as structural, functional, and spatial information, amino acid conservation, physicochemical variation, residue mobility, and thermodynamic stability) performed at Invitae indicates that this missense variant is not expected to disrupt COL11A1 protein function. In summary, the available evidence is currently insufficient to determine the role of this variant in disease. Therefore, it has been classified as a Variant of Uncertain Significance.

NM_001854.4(COL11A1):c.206G>A (p.Gly69Asp)

Gene: COL11A1 (collagen type XI alpha 1 chain; minus strand). Cytogenetic location: 1p21.1.
Variant type: single nucleotide variant.
Coding change: c.206G>A on transcript NM_001854.4 (MANE Select); coding-DNA position 206, G replaced by A.
Protein change: p.Gly69Asp; replaces glycine 69 with aspartic acid.
Molecular consequence: missense variant. On other transcripts: non-coding transcript variant (1).
Genome position (GRCh38, 1-based): chr1:103,082,873, C>T on the plus strand (G>A on the coding strand, the complement: COL11A1 is on the minus strand). VCF-style: chr1-103082873-C-T. GRCh37 (hg19) VCF-style: chr1-103548429-C-T.
Other names: c.206G>A, p.Gly69Asp (NM_080630.4, NM_001168249.1, NM_001190709.2 and 1 more transcripts); short protein forms G69D.
Identifiers: ClinVar variation 2767493 (VCV002767493.3), dbSNP rs758610033, ClinGen allele CA341168629.